The following is an entry in ClinVar:

NM_000391.4(TPP1):c.441A>G (p.Glu147=)

Gene: TPP1 (tripeptidyl peptidase 1; minus strand). Cytogenetic location: 11p15.4.
Variant type: single nucleotide variant.
Coding change: c.441A>G on transcript NM_000391.4 (MANE Select); coding-DNA position 441, A replaced by G.
Protein change: p.Glu147=; no amino-acid change (glutamic acid 147 retained).
Molecular consequence: synonymous variant.
Genome position (GRCh38, 1-based): chr11:6,617,368, T>C on the plus strand (A>G on the coding strand, the complement: TPP1 is on the minus strand). VCF-style: chr11-6617368-T-C. GRCh37 (hg19) VCF-style: chr11-6638599-T-C.
Other names: p.E147E:GAA>GAG.
Identifiers: ClinVar variation 130610 (VCV000130610.29), dbSNP rs2555170, ClinGen allele CA289078.
Genomic context (GRCh38, chr11:6,617,368, plus strand): 5'-CACATGGGGGGCCAAGGCCTGTGGAAGCTGGTAGGGATGTGGGGACCTTACAACATGGGT[T>C]TCCGTAGGTCCTCCCACATAGTGATGAAACTCAGCCCCAGGGAGCAGCAGCTCTGCTTGT-3'
Protein context (NP_000382.3, residues 137-157): EFHHYVGGPT[Glu147=]THVVRSPHPY

ClinVar aggregate classification (germline): Benign. Review status: criteria provided, multiple submitters, no conflicts (2 of 4 stars). 10 submissions from 10 submitters: Benign (7). 3 of the submissions do not count toward it. Last evaluated 2026-02-04.

Conditions:
Inborn genetic diseases. Identifiers: MedGen C0950123, MeSH D030342.
Neuronal ceroid lipofuscinosis 2. Also called: JANSKY-BIELSCHOWSKY DISEASE NEURONAL CEROID LIPOFUSCINOSIS, LATE INFANTILE; TPP1-Related Neuronal Ceroid-Lipofuscinosis. Identifiers: Orphanet 168491, Orphanet 228349, Orphanet 79264, MedGen C1876161, MONDO:0008769, OMIM 204500.

Allele frequency attached by ClinVar (database versions not stated): gnomAD exomes 0.00399 and 0.01069; ExAC 0.01328; gnomAD 0.04043 and 0.04313; TOPMed 0.04634; ESP Exome Variant Server 0.04694; 1000 Genomes Project 0.04852; 1000 Genomes Project 30x 0.05153.
gnomAD v4.1: 12,337 of 1,614,040 alleles (0.76%); highest among the groups gnomAD compares: African/African-American, 14%; 769 homozygotes.

Submissions (10):

Labcorp Genetics (formerly Invitae), Labcorp
Classification: Benign. Last evaluated: 2026-02-04. Review status: criteria provided, single submitter. Criteria: Invitae Variant Classification Sherloc (09022015). Collection method: clinical testing. Allele origin: germline.

Women's Health and Genetics/Laboratory Corporation of America, LabCorp
Classification: Benign. Last evaluated: 2022-10-24. Review status: criteria provided, single submitter. Criteria: LabCorp Variant Classification Summary - May 2015. Collection method: clinical testing. Allele origin: germline.

Illumina Laboratory Services, Illumina
Classification: Benign for Neuronal ceroid lipofuscinosis 2. Last evaluated: 2018-01-12. Review status: criteria provided, single submitter. Criteria: ICSL Variant Classification Criteria 13 December 2019. Collection method: clinical testing. Allele origin: germline.
Comment: This variant was observed in the ICSL laboratory as part of a predisposition screen in an ostensibly healthy population. It had not been previously curated by ICSL or reported in the Human Gene Mutation Database (HGMD: prior to June 1st, 2018), and was therefore a candidate for classification through an automated scoring system. Utilizing variant allele frequency, disease prevalence and penetrance estimates, and inheritance mode, an automated score was calculated to assess if this variant is too frequent to cause the disease. Based on the score and internal cut-off values, a variant classified as benign is not then subjected to further curation. The score for this variant resulted in a classification of benign for this disease.

Ambry Genetics
Classification: Benign for Inborn genetic diseases. Last evaluated: 2016-03-18. Review status: criteria provided, single submitter. Criteria: Ambry Variant Classification Scheme 2023. Collection method: clinical testing. Allele origin: germline.

GeneDx
Classification: Benign. Last evaluated: 2012-06-05. Review status: criteria provided, single submitter. Criteria: GeneDx Variant Classification (06012015). Collection method: clinical testing. Allele origin: germline. Affected: yes.
Comment: This variant is considered likely benign or benign based on one or more of the following criteria: it is a conservative change, it occurs at a poorly conserved position in the protein, it is predicted to be benign by multiple in silico algorithms, and/or has population frequency not consistent with disease.

Breakthrough Genomics
Classification: Benign. Review status: criteria provided, single submitter. Criteria: ACMG Guidelines, 2015. Collection method: not provided. Allele origin: germline. Inheritance: Autosomal recessive inheritance. Affected: yes.

PreventionGenetics, part of Exact Sciences
Classification: Benign. Review status: criteria provided, single submitter. Criteria: ACMG Guidelines, 2015. Collection method: clinical testing. Allele origin: germline.

Natera, Inc.
Classification: Benign for Neuronal ceroid lipofuscinosis 2. Last evaluated: 2020-09-16. Review status: no assertion criteria provided. Collection method: clinical testing. Allele origin: germline. Not counted in ClinVar's aggregate classification.

Mayo Clinic Laboratories, Mayo Clinic
Classification: Benign. Last evaluated: 2017-05-16. Review status: no assertion criteria provided. Collection method: clinical testing. Allele origin: unknown. Not counted in ClinVar's aggregate classification.

Genetic Services Laboratory, University of Chicago
Classification: Likely benign for AllHighlyPenetrant. Review status: no assertion criteria provided. Collection method: clinical testing. Allele origin: germline. Inheritance: Autosomal recessive inheritance. Not counted in ClinVar's aggregate classification.
Comment: Likely benign based on allele frequency in 1000 Genomes Project or ESP global frequency and its presence in a patient with a rare or unrelated disease phenotype. NOT Sanger confirmed.